The following is an entry in ClinVar:

ClinVar aggregate classification (germline): Pathogenic (1 of 4 stars; one submission).

Conditions:
DICER1-related tumor predisposition. Also called: DICER1-related pleuropulmonary blastoma cancer predisposition syndrome; DICER1 syndrome. Identifiers: Orphanet 284343, MedGen C3839822, MONDO:0100216.

Submission:

Foulkes Cancer Genetics LDI, Lady Davis Institute for Medical Research
Classification: Pathogenic for Pleuropulmonary blastoma. Last evaluated: 2019-07-01. Review status: criteria provided, single submitter. Criteria: ACMG Guidelines, 2015. Collection method: curation. Allele origin: germline. Affected: no and yes. Observed: 3 variant alleles.
Comment: ACMG criteria met: PVS1, PM2, PP4

Literature cited by the submitters: PubMed 21882293.

NM_177438.3(DICER1):c.912_919dup (p.Arg307fs)

Gene: DICER1 (dicer 1, ribonuclease III; minus strand). Cytogenetic location: 14q32.13.
Variant type: Duplication.
Coding change: c.912_919dup on transcript NM_177438.3 (MANE Select); coding-DNA positions 912 to 919, 8 bases duplicated (AGACTGTC; older notation c.912_919dupAGACTGTC).
Protein change: p.Arg307fs; shifts the reading frame from arginine 307.
Molecular consequence: frameshift variant.
Genome position (GRCh38, 1-based): chr14:95,124,653-95,124,660, GACAGTCT duplicated on the plus strand (AGACTGTC on the coding strand, the reverse complement: DICER1 is on the minus strand); duplicating any 8 consecutive bases within chr14:95,124,653-95,124,662 gives the same sequence; the c. name uses the placement nearest the transcript's 3' end. VCF-style (leftmost placement, unchanged base first): chr14-95124652-C-CGACAGTCT. GRCh37 (hg19) VCF-style: chr14-95590989-C-CGACAGTCT.
Other names: c.912_919dup, p.Arg307fs (NM_001195573.1, NM_001271282.3, NM_001291628.2 and 1 more transcripts); short protein forms R307fs.
Identifiers: ClinVar variation 933005 (VCV000933005.3), dbSNP rs1893252120, ClinGen allele CA1139663732.